The following is an entry in ClinVar:

ClinVar aggregate classification (germline): Likely benign (1 of 4 stars; one submission).

Conditions:
COL12A1-related disorder. Also called: COL12A1-related condition.

Submission:

PreventionGenetics, part of Exact Sciences
Classification: Likely benign for COL12A1-related condition. Last evaluated: 2024-11-26. Review status: criteria provided, single submitter. Criteria: ACMG Guidelines, 2015. Collection method: clinical testing. Allele origin: germline.
Comment: This variant is classified as likely benign based on ACMG/AMP sequence variant interpretation guidelines (Richards et al. 2015 PMID: 25741868, with internal and published modifications).

NM_004370.6(COL12A1):c.1892-6_1892-5insC

Gene: COL12A1 (collagen type XII alpha 1 chain; minus strand). Cytogenetic location: 6q13.
Variant type: Insertion.
Coding change: c.1892-6_1892-5insC on transcript NM_004370.6 (MANE Select); 6 bases into the intron before coding-DNA position 1892 through 5 bases into the intron before coding-DNA position 1892, C inserted.
Molecular consequence: intron variant.
Genome position: GRCh38 VCF-style: chr6-75181216-T-TG. GRCh37 (hg19) VCF-style: chr6-75890932-T-TG.
Other names: c.73+21503_73+21504insC (NM_001424116.1, NM_080645.3); c.1892-6_1892-5insC (NM_001424115.1, NM_001424114.1, NM_001424113.1).
Identifiers: ClinVar variation 4982837 (VCV004982837.1).